The following is an entry in ClinVar:

NM_000233.4(LHCGR):c.1732G>T (p.Asp578Tyr)

Genes: STON1-GTF2A1L (STON1-GTF2A1L readthrough; plus strand), LHCGR (luteinizing hormone/choriogonadotropin receptor; minus strand). Cytogenetic location: 2p16.3.
Variant type: single nucleotide variant.
Coding change: c.1732G>T on transcript NM_000233.4 (MANE Select); coding-DNA position 1732, G replaced by T.
Protein change: p.Asp578Tyr; replaces aspartic acid 578 with tyrosine.
Molecular consequence: missense variant. On other transcripts: intron variant (1).
Genome position (GRCh38, 1-based): chr2:48,688,065, C>A on the plus strand (G>T on the coding strand, the complement: LHCGR is on the minus strand). VCF-style: chr2-48688065-C-A. GRCh37 (hg19) VCF-style: chr2-48915204-C-A.
Other names: c.3441+16385C>A (NM_001198593.2); short protein forms D578Y.
Identifiers: ClinVar variation 36468 (VCV000036468.3), dbSNP rs121912532, ClinGen allele CA214133.

ClinVar aggregate classification (germline): Likely pathogenic (1 of 4 stars; one submission).

Conditions:
Gonadotropin-independent familial sexual precocity. Also called: TESTOTOXICOSIS, FAMILIAL; Familial male-limited precocious puberty. Identifiers: Orphanet 3000, MedGen C0342549, MONDO:0008303, OMIM 176410.

Submission:

Women's Health and Genetics/Laboratory Corporation of America, LabCorp
Classification: Likely pathogenic for Familial Male-Limited Precocious Puberty. Last evaluated: 2011-08-18. Review status: criteria provided, single submitter. Criteria: LabCorp Variant Classification Summary - May 2015. Collection method: curation, clinical testing. Allele origin: germline. Inheritance: autosomal dominant. Affected: yes. Observed: 4 variant alleles.
ClinVar note: Converted during submission from likely pathogenic to Likely pathogenic.

Literature cited by the submitters: PubMed 21490077; PubMed 17055147; PubMed 17055151; PubMed 16123233; PubMed 9039330; PubMed 17030087.